The following is an entry in ClinVar:

ClinVar aggregate classification (germline): Conflicting classifications of pathogenicity. Review status: criteria provided, conflicting classifications (1 of 4 stars). 6 submissions from 6 submitters: Uncertain significance (2); Likely benign (4). Last evaluated 2026-01-14.

Conditions:
TMPRSS3-related disorder. Also called: TMPRSS3-related condition.
Autosomal recessive nonsyndromic hearing loss 8 (DFNB8). Also called: Deafness, autosomal recessive 10; NEUROSENSORY NONSYNDROMIC RECESSIVE DEAFNESS 8. Identifiers: Orphanet 90636, MedGen C1832827, MONDO:0010987, OMIM 601072.

Allele frequency attached by ClinVar (database versions not stated): ESP Exome Variant Server 0.00015; TOPMed 0.00028; 1000 Genomes Project 30x 0.00031; 1000 Genomes Project 0.00040.
gnomAD v4.1: 715 of 1,614,168 alleles (0.044%); highest among the groups gnomAD compares: Non-Finnish European, 0.039%; 1 homozygote.

Submissions (6):

Labcorp Genetics (formerly Invitae), Labcorp
Classification: Likely benign. Last evaluated: 2026-01-14. Review status: criteria provided, single submitter. Criteria: Invitae Variant Classification Sherloc (09022015). Collection method: clinical testing. Allele origin: germline.

PreventionGenetics, part of Exact Sciences
Classification: Likely benign for TMPRSS3-related condition. Last evaluated: 2025-12-12. Review status: criteria provided, single submitter. Criteria: ACMG Guidelines, 2015. Collection method: clinical testing. Allele origin: germline.
Comment: This variant is classified as likely benign based on ACMG/AMP sequence variant interpretation guidelines (Richards et al. 2015 PMID: 25741868, with internal and published modifications).

GeneDx
Classification: Uncertain significance. Last evaluated: 2025-09-10. Review status: criteria provided, single submitter. Criteria: GeneDx Variant Classification Process June 2021. Collection method: clinical testing. Allele origin: germline. Affected: yes.
Comment: In silico analysis suggests that this missense variant does not alter protein structure/function; Has not been previously published as pathogenic or benign to our knowledge

ARUP Laboratories, Molecular Genetics and Genomics, ARUP Laboratories
Classification: Likely benign for Autosomal recessive nonsyndromic hearing loss 8. Last evaluated: 2020-11-18. Review status: criteria provided, single submitter. Criteria: ARUP Molecular Germline Variant Investigation Process 2021. Collection method: clinical testing. Allele origin: germline.

Illumina Laboratory Services, Illumina
Classification: Uncertain significance for Autosomal recessive nonsyndromic hearing loss 8. Last evaluated: 2018-01-13. Review status: criteria provided, single submitter. Criteria: ICSL Variant Classification Criteria 13 December 2019. Collection method: clinical testing. Allele origin: germline.

Laboratory for Molecular Medicine, Mass General Brigham Personalized Medicine
Classification: Likely benign. Last evaluated: 2016-05-02. Review status: criteria provided, single submitter. Criteria: LMM Criteria. Collection method: clinical testing. Allele origin: germline. Observed: 2 variant alleles.
Comment: p.Arg166Leu in Exon 6 of TMPRSS3: This variant is not expected to have clinical significance because it has been identified in 0.3% (19/6614) of Finnish chromos omes by the Exome Aggregation Consortium (ExAC; dbSNP rs150397427).

NM_001256317.3(TMPRSS3):c.497G>T (p.Arg166Leu)

Gene: TMPRSS3 (transmembrane serine protease 3; minus strand). Cytogenetic location: 21q22.3.
Variant type: single nucleotide variant.
Coding change: c.497G>T on transcript NM_001256317.3 (MANE Select); coding-DNA position 497, G replaced by T.
Protein change: p.Arg166Leu; replaces arginine 166 with leucine.
Molecular consequence: missense variant.
Genome position (GRCh38, 1-based): chr21:42,385,484, C>A on the plus strand (G>T on the coding strand, the complement: TMPRSS3 is on the minus strand). VCF-style: chr21-42385484-C-A. GRCh37 (hg19) VCF-style: chr21-43805593-C-A.
Other names: c.497G>T, p.Arg166Leu (NM_024022.4, NM_032405.2); c.116G>T, p.Arg39Leu (NM_032404.3); short protein forms R166L, R39L.
Identifiers: ClinVar variation 177981 (VCV000177981.23), dbSNP rs150397427, ClinGen allele CA181116.